The following is an entry in ClinVar:

ClinVar aggregate classification (germline): Uncertain significance. Review status: criteria provided, multiple submitters, no conflicts (2 of 4 stars). 2 submissions from 2 submitters: Uncertain significance (2). Last evaluated 2019-04-12.

Conditions:
Familial meningioma. Also called: Meningioma, familial, susceptibility to. Identifiers: Orphanet 263662, MedGen C3551915, MONDO:0011789, OMIM 607174.
Hereditary cancer-predisposing syndrome. Also called: Tumor predisposition; Hereditary Cancer Syndrome; Neoplastic Syndromes, Hereditary; Hereditary neoplastic syndrome. Identifiers: Orphanet 140162, MedGen C0027672, MeSH D009386, MONDO:0015356.

Submissions (2):

Labcorp Genetics (formerly Invitae), Labcorp
Classification: Uncertain significance for Familial meningioma. Last evaluated: 2019-04-12. Review status: criteria provided, single submitter. Criteria: Invitae Variant Classification Sherloc (09022015). Collection method: clinical testing. Allele origin: germline.
Comment: This sequence change replaces methionine with valine at codon 282 of the SMARCE1 protein (p.Met282Val). The methionine residue is highly conserved and there is a small physicochemical difference between methionine and valine. This variant is not present in population databases (ExAC no frequency). This variant has not been reported in the literature in individuals with SMARCE1-related conditions. Algorithms developed to predict the effect of missense changes on protein structure and function (SIFT, PolyPhen-2, Align-GVGD) all suggest that this variant is likely to be tolerated, but these predictions have not been confirmed by published functional studies and their clinical significance is uncertain. In summary, the available evidence is currently insufficient to determine the role of this variant in disease. Therefore, it has been classified as a Variant of Uncertain Significance.

Ambry Genetics
Classification: Uncertain significance for Hereditary cancer-predisposing syndrome. Last evaluated: 2018-06-05. Review status: criteria provided, single submitter. Criteria: Ambry Variant Classification Scheme 2023. Collection method: clinical testing. Allele origin: germline.
Comment: The p.M282V variant (also known as c.844A>G), located in coding exon 9 of the SMARCE1 gene, results from an A to G substitution at nucleotide position 844. The methionine at codon 282 is replaced by valine, an amino acid with highly similar properties. This amino acid position is highly conserved in available vertebrate species. In addition, the in silico prediction for this alteration is inconclusive. Since supporting evidence is limited at this time, the clinical significance of this alteration remains unclear.

NM_003079.5(SMARCE1):c.844A>G (p.Met282Val)

Gene: SMARCE1 (SWI/SNF related BAF chromatin remodeling complex subunit E1; minus strand). Cytogenetic location: 17q21.2.
Variant type: single nucleotide variant.
Coding change: c.844A>G on transcript NM_003079.5 (MANE Select); coding-DNA position 844, A replaced by G.
Protein change: p.Met282Val; replaces methionine 282 with valine.
Molecular consequence: missense variant.
Genome position (GRCh38, 1-based): chr17:40,630,897, T>C on the plus strand (A>G on the coding strand, the complement: SMARCE1 is on the minus strand). VCF-style: chr17-40630897-T-C. GRCh37 (hg19) VCF-style: chr17-38787149-T-C.
Other names: short protein forms M282V.
Identifiers: ClinVar variation 822427 (VCV000822427.14), dbSNP rs1597742553, ClinGen allele CA399363907.
Genomic context (GRCh38, chr17:40,630,897, plus strand): 5'-CCTCCTGCCTTTTGCGGGCCTGTTCCTCTGCCTGTGCAATCTCAGCTGCAATTTTCTCCA[T>C]ATCCACTTCTACTTTCAGACCGCACAACTAATCAGAAAAAAACAGAACTCCGTAATGTTT-3'
Protein context (NP_003070.3, residues 272-292): RLCGLKVEVD[Met282Val]EKIAAEIAQA